The following is an entry in ClinVar:

ClinVar aggregate classification (germline): Likely benign (0 of 4 stars; one submission).

Conditions:
KIDINS220-related disorder. Also called: KIDINS220-related condition.

Submission:

PreventionGenetics, part of Exact Sciences
Classification: Likely benign for KIDINS220-related condition. Last evaluated: 2022-04-28. Review status: no assertion criteria provided. Collection method: clinical testing. Allele origin: germline.
Comment: This variant is classified as likely benign based on ACMG/AMP sequence variant interpretation guidelines (Richards et al. 2015 PMID: 25741868, with internal and published modifications).

NM_020738.4(KIDINS220):c.4902C>A (p.Gly1634=)

Gene: KIDINS220 (kinase D interacting substrate 220; minus strand). Cytogenetic location: 2p25.1.
Variant type: single nucleotide variant.
Coding change: c.4902C>A on transcript NM_020738.4 (MANE Select); coding-DNA position 4902, C replaced by A.
Protein change: p.Gly1634=; no amino-acid change (glycine 1634 retained).
Molecular consequence: synonymous variant. On other transcripts: intron variant (6).
Genome position (GRCh38, 1-based): chr2:8,731,134, G>T on the plus strand (C>A on the coding strand, the complement: KIDINS220 is on the minus strand). VCF-style: chr2-8731134-G-T. GRCh37 (hg19) VCF-style: chr2-8871264-G-T.
Other names: c.4905C>A, p.Gly1635= (NM_001348729.2); c.4848C>A, p.Gly1616= (NM_001348731.2); c.4845C>A, p.Gly1615= (NM_001348732.2); c.4734C>A, p.Gly1578= (NM_001348734.2); c.4731C>A, p.Gly1577= (NM_001348735.2); c.4605C>A, p.Gly1535= (NM_001348736.2); c.3882+2310C>A (NM_001348741.2, NM_001348742.2, NM_001348743.2); c.3996+2310C>A (NM_001348738.2); and 1 more.
Identifiers: ClinVar variation 3355343 (VCV003355343.1).